The following is an entry in ClinVar:

NM_000051.4(ATM):c.3622G>A (p.Asp1208Asn)

Gene: ATM (ATM serine/threonine kinase; plus strand). Cytogenetic location: 11q22.3.
Variant type: single nucleotide variant.
Coding change: c.3622G>A on transcript NM_000051.4 (MANE Select); coding-DNA position 3622, G replaced by A.
Protein change: p.Asp1208Asn; replaces aspartic acid 1208 with asparagine.
Molecular consequence: missense variant.
Genome position (GRCh38, 1-based): chr11:108,282,755, G>A. VCF-style: chr11-108282755-G-A. GRCh37 (hg19) VCF-style: chr11-108153482-G-A.
Other names: c.3622G>A, p.Asp1208Asn (NM_001351834.2); short protein forms D1208N.
Identifiers: ClinVar variation 1733338 (VCV001733338.6), dbSNP rs2135687848, ClinGen allele CA382522820.

ClinVar aggregate classification (germline): Uncertain significance. Review status: criteria provided, multiple submitters, no conflicts (2 of 4 stars). 2 submissions from 2 submitters: Uncertain significance (2). Last evaluated 2024-12-10.

Conditions:
Hereditary cancer-predisposing syndrome. Also called: Neoplastic Syndromes, Hereditary; Tumor predisposition; Hereditary Cancer Syndrome; Hereditary neoplastic syndrome. Identifiers: Orphanet 140162, MedGen C0027672, MeSH D009386, MONDO:0015356.
Ataxia-telangiectasia syndrome (AT). Also called: LOUIS-BAR SYNDROME; Cerebello-oculocutaneous telangiectasia; Immunodeficiency with ataxia telangiectasia; Ataxia-telangiectasia, complementation group D; AT, COMPLEMENTATION GROUP C; ATAXIA-TELANGIECTASIA, COMPLEMENTATION GROUP A. Identifiers: Orphanet 100, MedGen C0004135, MONDO:0008840, OMIM 208900.

gnomAD v4.1: 1 of 1,613,114 alleles (0.000062%); no homozygotes.

Submissions (2):

Ambry Genetics
Classification: Uncertain significance for Hereditary cancer-predisposing syndrome. Last evaluated: 2024-12-10. Review status: criteria provided, single submitter. Criteria: Ambry Variant Classification Scheme 2023. Collection method: clinical testing. Allele origin: germline.
Comment: The p.D1208N variant (also known as c.3622G>A), located in coding exon 24 of the ATM gene, results from a G to A substitution at nucleotide position 3622. The aspartic acid at codon 1208 is replaced by asparagine, an amino acid with highly similar properties. This amino acid position is well conserved in available vertebrate species. In addition, this alteration is predicted to be tolerated by in silico analysis. Based on the available evidence, the clinical significance of this variant remains unclear.

Labcorp Genetics (formerly Invitae), Labcorp
Classification: Uncertain significance for Ataxia-telangiectasia syndrome. Last evaluated: 2023-09-10. Review status: criteria provided, single submitter. Criteria: Invitae Variant Classification Sherloc (09022015). Collection method: clinical testing. Allele origin: germline.
Comment: In summary, the available evidence is currently insufficient to determine the role of this variant in disease. Therefore, it has been classified as a Variant of Uncertain Significance. An algorithm developed to predict the effect of missense changes on protein structure and function (PolyPhen-2) suggests that this variant is likely to be tolerated. ClinVar contains an entry for this variant (Variation ID: 1733338). This variant is not present in population databases (gnomAD no frequency). This sequence change replaces aspartic acid, which is acidic and polar, with asparagine, which is neutral and polar, at codon 1208 of the ATM protein (p.Asp1208Asn). This variant has not been reported in the literature in individuals affected with ATM-related conditions.